The following is an entry in ClinVar:

NM_014319.5(LEMD3):c.253G>C (p.Ala85Pro)

Gene: LEMD3 (LEM domain containing 3; plus strand). Cytogenetic location: 12q14.3.
Variant type: single nucleotide variant.
Coding change: c.253G>C on transcript NM_014319.5 (MANE Select); coding-DNA position 253, G replaced by C.
Protein change: p.Ala85Pro; replaces alanine 85 with proline.
Molecular consequence: missense variant.
Genome position (GRCh38, 1-based): chr12:65,169,849, G>C. VCF-style: chr12-65169849-G-C. GRCh37 (hg19) VCF-style: chr12-65563629-G-C.
Other names: c.253G>C, p.Ala85Pro (NM_001167614.2); short protein forms A85P.
Identifiers: ClinVar variation 1448807 (VCV001448807.7), dbSNP rs1411780418, ClinGen allele CA385672286.

ClinVar aggregate classification (germline): Uncertain significance (1 of 4 stars; one submission).

Allele frequency attached by ClinVar (database versions not stated): gnomAD exomes 0.00004.
gnomAD v4.1: 18 of 1,458,960 alleles (0.0012%); highest among the groups gnomAD compares: Non-Finnish European, 0.0016%; no homozygotes.

Submission:

Labcorp Genetics (formerly Invitae), Labcorp
Classification: Uncertain significance. Last evaluated: 2025-09-09. Review status: criteria provided, single submitter. Criteria: Invitae Variant Classification Sherloc (09022015). Collection method: clinical testing. Allele origin: germline.
Comment: This sequence change replaces alanine, which is neutral and non-polar, with proline, which is neutral and non-polar, at codon 85 of the LEMD3 protein (p.Ala85Pro). This variant is present in population databases (no rsID available, gnomAD 0.009%). This variant has not been reported in the literature in individuals affected with LEMD3-related conditions. ClinVar contains an entry for this variant (Variation ID: 1448807). An algorithm developed to predict the effect of missense changes on protein structure and function (PolyPhen-2) suggests that this variant is likely to be disruptive. In summary, the available evidence is currently insufficient to determine the role of this variant in disease. Therefore, it has been classified as a Variant of Uncertain Significance.